The following is an entry in ClinVar:

NM_000540.3(RYR1):c.6469_6498del (p.Glu2157_Leu2166del)

Gene: RYR1 (ryanodine receptor 1; plus strand). Cytogenetic location: 19q13.2.
Variant type: Deletion.
Coding change: c.6469_6498del on transcript NM_000540.3 (MANE Select); coding-DNA positions 6469 to 6498, 30 bases deleted (GAGTGCCTCGGCCAGATCCGCTCGCTGCTC).
Protein change: p.Glu2157_Leu2166del.
Genome position (GRCh38, 1-based): chr19:38,494,546-38,494,575, GAGTGCCTCGGCCAGATCCGCTCGCTGCTC deleted; deleting any 30 consecutive bases within chr19:38,494,540-38,494,575 gives the same sequence; the c. name uses the placement nearest the transcript's 3' end. VCF-style (leftmost placement, unchanged base first): chr19-38494539-CCTGCTCGAGTGCCTCGGCCAGATCCGCTCG-C. GRCh37 (hg19) VCF-style: chr19-38985179-CCTGCTCGAGTGCCTCGGCCAGATCCGCTCG-C.
Other names: c.6469_6498del, p.Glu2157_Leu2166del (NM_001042723.2).
Identifiers: ClinVar variation 4758270 (VCV004758270.1).
Genomic context (GRCh38, chr19:38,494,539, plus strand): 5'-GCTGCGTGCCCTGCCGCGGGCGTACACCATCTCACCGTCCTCCGTGGAAGACACCATGAG[CCTGCTCGAGTGCCTCGGCCAGATCCGCTCG>C]CTGCTCATCGTGCAGATGGGCCCCCAGGAGGAGAACCTCATGATCCAGAGCATCGGGTGA-3'

ClinVar aggregate classification (germline): Uncertain significance (1 of 4 stars; one submission).

Conditions:
Malignant hyperthermia, susceptibility to, 1 (MHS1). Also called: RYR1-Related Malignant Hyperthermia Susceptibility; Malignant hyperthermia suceptibility 1; Anesthesia related hyperthermia; Malignant hyperpyrexia; Fulminating hyperpyrexia; Pharmacogenic myopathy. Identifiers: Orphanet 423, MedGen C2930980, MONDO:0007783, OMIM 145600.

Submission:

Color Diagnostics, LLC DBA Color Health
Classification: Uncertain significance for Malignant hyperthermia, susceptibility to, 1. Last evaluated: 2025-10-10. Review status: criteria provided, single submitter. Criteria: ACMG Guidelines, 2015. Collection method: clinical testing. Allele origin: germline.
Comment: This variant causes an in-frame deletion of 10 amino acids in a region of the RYR1 protein that is considered to be a hotspot for pathogenic variants that contribute to malignant hyperthermia susceptibility (PMID: 21118704). To our knowledge, functional studies have not been reported for this variant. This variant has not been reported in individuals affected with RYR1-related disorders in the literature. This variant has not been identified in the general population by the Genome Aggregation Database (gnomAD). The available evidence is insufficient to determine the role of this variant in disease conclusively. Therefore, this variant is classified as a Variant of Uncertain Significance.

Literature cited by the submitters: PubMed 21118704.